The following is an entry in ClinVar:

ClinVar aggregate classification (germline): Uncertain significance. Review status: criteria provided, multiple submitters, no conflicts (2 of 4 stars). 2 submissions from 2 submitters: Uncertain significance (2). Last evaluated 2022-11-11.

Conditions:
DOCK2 deficiency. Also called: Immunodeficiency 40. Identifiers: Orphanet 447737, MedGen C4225328, MONDO:0014637, OMIM 616433.

Allele frequency attached by ClinVar (database versions not stated): ExAC 0.00001; gnomAD exomes 0.00002; TOPMed 0.00003; gnomAD 0.00004; 1000 Genomes Project 30x 0.00016; 1000 Genomes Project 0.00020.
gnomAD v4.1: 62 of 1,614,066 alleles (0.0038%); highest among the groups gnomAD compares: East Asian, 0.0089%; no homozygotes.

Submissions (2):

Blueprint Genetics
Classification: Uncertain significance. Last evaluated: 2022-11-11. Review status: criteria provided, single submitter. Criteria: ACMG Guidelines, 2015. Collection method: clinical testing. Allele origin: germline.

Labcorp Genetics (formerly Invitae), Labcorp
Classification: Uncertain significance for DOCK2 deficiency. Last evaluated: 2021-09-01. Review status: criteria provided, single submitter. Criteria: Invitae Variant Classification Sherloc (09022015). Collection method: clinical testing. Allele origin: germline.
Comment: This sequence change replaces isoleucine with threonine at codon 956 of the DOCK2 protein (p.Ile956Thr). The isoleucine residue is moderately conserved and there is a moderate physicochemical difference between isoleucine and threonine. This variant is present in population databases (rs188136128, ExAC 0.009%). This variant has not been reported in the literature in individuals affected with DOCK2-related conditions. Algorithms developed to predict the effect of missense changes on protein structure and function are either unavailable or do not agree on the potential impact of this missense change (SIFT: "Tolerated"; PolyPhen-2: "Probably Damaging"; Align-GVGD: "Class C0"). In summary, the available evidence is currently insufficient to determine the role of this variant in disease. Therefore, it has been classified as a Variant of Uncertain Significance.

NM_004946.3(DOCK2):c.2867T>C (p.Ile956Thr)

Gene: DOCK2 (dedicator of cytokinesis 2; plus strand). Cytogenetic location: 5q35.1.
Variant type: single nucleotide variant.
Coding change: c.2867T>C on transcript NM_004946.3 (MANE Select); coding-DNA position 2867, T replaced by C.
Protein change: p.Ile956Thr; replaces isoleucine 956 with threonine.
Molecular consequence: missense variant. On other transcripts: non-coding transcript variant (1).
Genome position (GRCh38, 1-based): chr5:169,983,135, T>C. VCF-style: chr5-169983135-T-C. GRCh37 (hg19) VCF-style: chr5-169410139-T-C.
Other names: short protein forms I956T.
Identifiers: ClinVar variation 942780 (VCV000942780.8), dbSNP rs188136128, ClinGen allele CA3554013.